The following is an entry in ClinVar:

ClinVar aggregate classification (germline): Conflicting classifications of pathogenicity. Review status: criteria provided, conflicting classifications (1 of 4 stars). 3 submissions from 3 submitters: Likely pathogenic (1); Uncertain significance (1). 1 of the submissions does not count toward it. Last evaluated 2022-06-24.

Conditions:
ACADVL-related disorder. Also called: ACADVL-related condition.
Very long chain acyl-CoA dehydrogenase deficiency (ACADVLD). Also called: VLCAD Deficiency; Very Long-Chain Acyl-Coenzyme A Dehydrogenase Deficiency. Identifiers: Orphanet 26793, MedGen C3887523, MONDO:0008723, OMIM 201475.

Allele frequency attached by ClinVar (database versions not stated): gnomAD exomes below 0.00001; ExAC 0.00001; gnomAD 0.00001; 1000 Genomes Project 30x 0.00016; 1000 Genomes Project 0.00020.
gnomAD v4.1: 7 of 1,614,040 alleles (0.00043%); highest among the groups gnomAD compares: Admixed American, 0.0017%; no homozygotes.

Submissions (3):

Victorian Clinical Genetics Services, Murdoch Childrens Research Institute
Classification: Likely pathogenic for Very long chain acyl-CoA dehydrogenase deficiency. Last evaluated: 2022-06-24. Review status: criteria provided, single submitter. Criteria: ACMG Guidelines, 2015. Collection method: clinical testing. Allele origin: germline. Inheritance: Autosomal recessive inheritance. Affected: yes.
Comment: Based on the classification scheme VCGS_Germline_v1.3.4, this variant is classified as Likely pathogenic. Following criteria are met: 0102 - Loss of function is a known mechanism of disease in this gene and is associated with VLCAD deficiency (MIM# 201475). (I) 0106 - This gene is associated with autosomal recessive disease. (I) 0200 - Variant is predicted to result in a missense amino acid change from tyrosine to cysteine. (I) 0251 - This variant is heterozygous. (I) 0304 - Variant is present in gnomAD <0.01 (v2 & v3) for a recessive condition (1 heterozygote, 0 homozygotes). (SP) 0501 - Missense variant consistently predicted to be damaging by multiple in silico tools or highly conserved with a major amino acid change. (SP) 0600 - Variant is located in the annotated VLCAD domain (NCBI). (I) 0705 - No comparable missense variants have previous evidence for pathogenicity. (I) 0807 - This variant has no previous evidence of pathogenicity. It has been reported as VUS by Invitae, likely in this same proband (ClinVar). (I) 0905 - No published segregation evidence has been identified for this variant. (I) 1005 - Clinically accredited laboratory assay specific to gene product shows abnormal protein function. (SP) 1201 - Heterozygous variant detected in trans with a second pathogenic heterozygous variant (NM_000018.3(ACADVL):c.552C>A; p.(=)) in a recessive disease. (I) Legend: (SP) - Supporting pathogenic, (I) - Information, (SB) - Supporting benign

Labcorp Genetics (formerly Invitae), Labcorp
Classification: Uncertain significance for Very long chain acyl-CoA dehydrogenase deficiency. Last evaluated: 2019-12-06. Review status: criteria provided, single submitter. Criteria: Invitae Variant Classification Sherloc (09022015). Collection method: clinical testing. Allele origin: germline.
Comment: This sequence change replaces tyrosine with cysteine at codon 241 of the ACADVL protein (p.Tyr241Cys). The tyrosine residue is highly conserved and there is a large physicochemical difference between tyrosine and cysteine. This variant is present in population databases (rs575789958, ExAC 0.009%). This variant has not been reported in the literature in individuals with ACADVL-related conditions. Algorithms developed to predict the effect of missense changes on protein structure and function (SIFT, PolyPhen-2, Align-GVGD) all suggest that this variant is likely to be disruptive, but these predictions have not been confirmed by published functional studies and their clinical significance is uncertain. In summary, the available evidence is currently insufficient to determine the role of this variant in disease. Therefore, it has been classified as a Variant of Uncertain Significance.

PreventionGenetics, part of Exact Sciences
Classification: Uncertain significance for ACADVL-related condition. Last evaluated: 2023-11-14. Review status: no assertion criteria provided. Collection method: clinical testing. Allele origin: germline. Not counted in ClinVar's aggregate classification.
Comment: The ACADVL c.722A>G variant is predicted to result in the amino acid substitution p.Tyr241Cys. This variant was previously reported in the heterozygous state as a variant of uncertain significance in a patient with hypoglycemia and rhabdomyolysis (Kiss et al. 2020. PubMed ID: 33351248). Enzymatic testing as well as newborn screening results suggested very long-chain acyl-CoA dehydrogenase deficiency. However, a second variant in ACADVL was not detected (Kiss et al. 2020. PubMed ID: 33351248). This variant is reported in 0.0029% of alleles in individuals of Latino descent in gnomAD. At this time, the clinical significance of this variant is uncertain due to the absence of conclusive functional and genetic evidence.

NM_000018.4(ACADVL):c.722A>G (p.Tyr241Cys)

Gene: ACADVL (acyl-CoA dehydrogenase very long chain; plus strand). Cytogenetic location: 17p13.1.
Variant type: single nucleotide variant.
Coding change: c.722A>G on transcript NM_000018.4 (MANE Select); coding-DNA position 722, A replaced by G.
Protein change: p.Tyr241Cys; replaces tyrosine 241 with cysteine.
Molecular consequence: missense variant.
Genome position (GRCh38, 1-based): chr17:7,222,051, A>G. VCF-style: chr17-7222051-A-G. GRCh37 (hg19) VCF-style: chr17-7125370-A-G.
Other names: c.656A>G, p.Tyr219Cys (NM_001033859.3); c.791A>G, p.Tyr264Cys (NM_001270447.2); c.494A>G, p.Tyr165Cys (NM_001270448.2); short protein forms Y264C, Y165C, Y219C, Y241C.
Identifiers: ClinVar variation 862474 (VCV000862474.6), dbSNP rs575789958, ClinGen allele CA8337818.